The following is an entry in ClinVar:

ClinVar aggregate classification (germline): Pathogenic (1 of 4 stars; one submission).

Conditions:
Androgen resistance syndrome (AIS). Also called: Androgen insensitivity syndrome; Androgen insensitivity syndrome due to coactivator deficiency; DHTR DEFICIENCY; ANDROGEN RECEPTOR DEFICIENCY; DIHYDROTESTOSTERONE RECEPTOR DEFICIENCY; Androgen insensitivity, complete. Identifiers: Orphanet 754, Orphanet 99429, MedGen C0039585, MONDO:0019154, OMIM 300068. Disease mechanism: loss of function.
Kennedy disease (SMAX1). Also called: Spinal and Bulbar Muscular Atrophy; SPINAL AND BULBAR MUSCULAR ATROPHY, X-LINKED 1; KENNEDY SPINAL AND BULBAR MUSCULAR ATROPHY. Identifiers: Orphanet 481, MedGen C1839259, MONDO:0010735, OMIM 313200.

Submission:

Labcorp Genetics (formerly Invitae), Labcorp
Classification: Pathogenic for Kennedy disease; Androgen resistance syndrome. Last evaluated: 2022-10-06. Review status: criteria provided, single submitter. Criteria: Invitae Variant Classification Sherloc (09022015). Collection method: clinical testing. Allele origin: germline.
Comment: This sequence change creates a premature translational stop signal (p.Gln803Argfs*6) in the AR gene. It is expected to result in an absent or disrupted protein product. Loss-of-function variants in AR are known to be pathogenic (PMID: 19463997). This variant is not present in population databases (gnomAD no frequency). This premature translational stop signal has been observed in individual(s) with clinical features of AR-related conditions (PMID: 11549642). This variant is also known as deleted C in codon 791. For these reasons, this variant has been classified as Pathogenic.

Literature cited by the submitters: PubMed 19463997; PubMed 11549642.

NM_000044.6(AR):c.2407del (p.Gln803fs)

Gene: AR (androgen receptor; plus strand). Cytogenetic location: Xq12.
Variant type: Deletion.
Coding change: c.2407del on transcript NM_000044.6 (MANE Select); coding-DNA position 2407, one base deleted (C; older notation c.2407delC).
Protein change: p.Gln803fs; shifts the reading frame from glutamine 803.
Molecular consequence: frameshift variant.
Genome position (GRCh38, 1-based): chrX:67,721,921, C deleted; the last of 6 consecutive C bases (chrX:67,721,916-67,721,921); deleting any one gives the same sequence. VCF-style (leftmost placement, unchanged base first): chrX-67721915-AC-A. GRCh37 (hg19) VCF-style: chrX-66941757-AC-A.
Other names: c.811del, p.Gln271fs (NM_001011645.3); short protein forms Q803fs, Q271fs.
Identifiers: ClinVar variation 2138588 (VCV002138588.4), dbSNP rs2147535891, ClinGen allele CA2580101278.